The following is an entry in ClinVar:

NM_001297.5(CNGB1):c.1435C>A (p.Leu479Ile)

Gene: CNGB1 (cyclic nucleotide gated channel subunit beta 1; minus strand). Cytogenetic location: 16q21.
Variant type: single nucleotide variant.
Coding change: c.1435C>A on transcript NM_001297.5 (MANE Select); coding-DNA position 1435, C replaced by A.
Protein change: p.Leu479Ile; replaces leucine 479 with isoleucine.
Molecular consequence: missense variant.
Genome position (GRCh38, 1-based): chr16:57,931,816, G>T on the plus strand (C>A on the coding strand, the complement: CNGB1 is on the minus strand). VCF-style: chr16-57931816-G-T. GRCh37 (hg19) VCF-style: chr16-57965720-G-T.
Other names: c.1417C>A, p.Leu473Ile (NM_001286130.2); short protein forms L479I, L473I.
Identifiers: ClinVar variation 320095 (VCV000320095.17), dbSNP rs2303783, ClinGen allele CA8083430.

ClinVar aggregate classification (germline): Conflicting classifications of pathogenicity. Review status: criteria provided, conflicting classifications (1 of 4 stars). 5 submissions from 5 submitters: Uncertain significance (1); Benign (2); Likely benign (1). 1 of the submissions does not count toward it. Last evaluated 2026-01-28.

Conditions:
CNGB1-related disorder. Also called: CNGB1-related condition.
Retinal dystrophy. Also called: Inherited retinal dystrophy. Identifiers: Orphanet 71862, MedGen C0854723, MeSH D058499, MONDO:0019118, HP:0000556.
Retinitis pigmentosa (RP). Identifiers: Orphanet 791, MedGen C0035334, MeSH D012174, MONDO:0019200, OMIM 268000. Inheritance: Autosomal dominant, autosomal recessive and X linked inheritance.

Allele frequency attached by ClinVar (database versions not stated): gnomAD 0.00014 and 0.00031; TOPMed 0.00034; ExAC 0.00084; 1000 Genomes Project 30x 0.00250; 1000 Genomes Project 0.00260.
gnomAD v4.1: 873 of 1,614,164 alleles (0.054%); highest among the groups gnomAD compares: East Asian, 1.6%; 15 homozygotes.

Submissions (5):

Labcorp Genetics (formerly Invitae), Labcorp
Classification: Benign. Last evaluated: 2026-01-28. Review status: criteria provided, single submitter. Criteria: Invitae Variant Classification Sherloc (09022015). Collection method: clinical testing. Allele origin: germline.

Blueprint Genetics
Classification: Likely benign. Last evaluated: 2024-10-23. Review status: criteria provided, single submitter. Criteria: ACMG Guidelines, 2015. Collection method: clinical testing. Allele origin: germline.

Dept Of Ophthalmology, Nagoya University
Classification: Benign for Retinal dystrophy. Last evaluated: 2023-10-01. Review status: criteria provided, single submitter. Criteria: Submitter's publication. Collection method: research. Allele origin: germline. Affected: yes.

Illumina Laboratory Services, Illumina
Classification: Uncertain significance for Retinitis pigmentosa. Last evaluated: 2018-01-13. Review status: criteria provided, single submitter. Criteria: ICSL Variant Classification Criteria 13 December 2019. Collection method: clinical testing. Allele origin: germline.

PreventionGenetics, part of Exact Sciences
Classification: Benign for CNGB1-related condition. Last evaluated: 2022-03-08. Review status: no assertion criteria provided. Collection method: clinical testing. Allele origin: germline. Not counted in ClinVar's aggregate classification.
Comment: This variant is classified as benign based on ACMG/AMP sequence variant interpretation guidelines (Richards et al. 2015 PMID: 25741868, with internal and published modifications).